The following is an entry in ClinVar:

ClinVar aggregate classification (germline): Uncertain significance (1 of 4 stars; one submission).

Submission:

Labcorp Genetics (formerly Invitae), Labcorp
Classification: Uncertain significance. Last evaluated: 2025-03-17. Review status: criteria provided, single submitter. Criteria: Invitae Variant Classification Sherloc (09022015). Collection method: clinical testing. Allele origin: germline.
Comment: This sequence change replaces valine, which is neutral and non-polar, with aspartic acid, which is acidic and polar, at codon 635 of the CACNA1F protein (p.Val635Asp). This variant is not present in population databases (gnomAD no frequency). This variant has not been reported in the literature in individuals affected with CACNA1F-related conditions. Invitae Evidence Modeling of protein sequence and biophysical properties (such as structural, functional, and spatial information, amino acid conservation, physicochemical variation, residue mobility, and thermodynamic stability) has been performed for this missense variant. However, the output from this modeling did not meet the statistical confidence thresholds required to predict the impact of this variant on CACNA1F protein function. In summary, the available evidence is currently insufficient to determine the role of this variant in disease. Therefore, it has been classified as a Variant of Uncertain Significance.

NM_001256789.3(CACNA1F):c.1871T>A (p.Val624Asp)

Gene: CACNA1F (calcium voltage-gated channel subunit alpha1 F; minus strand). Cytogenetic location: Xp11.23.
Variant type: single nucleotide variant.
Coding change: c.1871T>A on transcript NM_001256789.3 (MANE Select); coding-DNA position 1871, T replaced by A.
Protein change: p.Val624Asp; replaces valine 624 with aspartic acid.
Molecular consequence: missense variant.
Genome position (GRCh38, 1-based): chrX:49,224,767, A>T on the plus strand (T>A on the coding strand, the complement: CACNA1F is on the minus strand). VCF-style: chrX-49224767-A-T. GRCh37 (hg19) VCF-style: chrX-49081229-A-T.
Other names: c.1709T>A, p.Val570Asp (NM_001256790.3); c.1904T>A, p.Val635Asp (NM_005183.4); short protein forms V624D, V570D, V635D.
Identifiers: ClinVar variation 3659544 (VCV003659544.2).